The following is an entry in ClinVar:

NM_004082.5(DCTN1):c.824G>A (p.Arg275His)

Gene: DCTN1 (dynactin subunit 1; minus strand). Cytogenetic location: 2p13.1.
Variant type: single nucleotide variant.
Coding change: c.824G>A on transcript NM_004082.5 (MANE Select); coding-DNA position 824, G replaced by A.
Protein change: p.Arg275His; replaces arginine 275 with histidine.
Molecular consequence: missense variant. On other transcripts: non-coding transcript variant (1).
Genome position (GRCh38, 1-based): chr2:74,370,998, C>T on the plus strand (G>A on the coding strand, the complement: DCTN1 is on the minus strand). VCF-style: chr2-74370998-C-T. GRCh37 (hg19) VCF-style: chr2-74598125-C-T.
Other names: c.764G>A, p.Arg255His (NM_001135040.3); c.422G>A, p.Arg141His (NM_001135041.3, NM_023019.4); c.713G>A, p.Arg238His (NM_001190836.2); c.803G>A, p.Arg268His (NM_001190837.2); c.773G>A, p.Arg258His (NM_001378991.1); c.755G>A, p.Arg252His (NM_001378992.1); short protein forms R141H, R238H, R275H, R255H, R268H, R252H, R258H.
Identifiers: ClinVar variation 393157 (VCV000393157.17), dbSNP rs375266113, ClinGen allele CA16604309.

ClinVar aggregate classification (germline): Uncertain significance. Review status: criteria provided, multiple submitters, no conflicts (2 of 4 stars). 5 submissions from 4 submitters: Uncertain significance (5). Last evaluated 2025-12-09.

Conditions:
Amyotrophic lateral sclerosis type 1 (ALS1). Also called: AMYOTROPHIC LATERAL SCLEROSIS 1, FAMILIAL. Identifiers: Orphanet 803, MedGen C1862939, MONDO:0007103, OMIM 105400.
Neuronopathy, distal hereditary motor, type 7B. Also called: Distal Hereditary Motor Neuronopathy Type 7B (dHMN7B); NEURONOPATHY, DISTAL HEREDITARY MOTOR, AUTOSOMAL DOMINANT 14; NEURONOPATHY, DISTAL HEREDITARY MOTOR, HARDING TYPE VIIB; NEUROPATHY, DISTAL HEREDITARY MOTOR, HARDING TYPE VIIB; NEUROPATHY, DISTAL HEREDITARY MOTOR, WITH VOCAL CORD PARALYSIS, HARDING TYPE VIIB; HMN VIIB. Identifiers: Orphanet 139589, MedGen C1843315, MONDO:0011879, OMIM 607641.
Perry syndrome. Also called: PARKINSONISM WITH ALVEOLAR HYPOVENTILATION AND MENTAL DEPRESSION. Identifiers: Orphanet 178509, MedGen C1868594, MONDO:0008201, OMIM 168605.

Allele frequency attached by ClinVar (database versions not stated): gnomAD exomes 0.00001 and 0.00003; gnomAD 0.00004; TOPMed 0.00005; ESP Exome Variant Server 0.00008.

Submissions (5):

Labcorp Genetics (formerly Invitae), Labcorp
Classification: Uncertain significance for Amyotrophic lateral sclerosis type 1; Neuronopathy, distal hereditary motor, type 7B; Perry syndrome. Last evaluated: 2025-12-09. Review status: criteria provided, single submitter. Criteria: Invitae Variant Classification Sherloc (09022015). Collection method: clinical testing. Allele origin: germline.
Comment: This sequence change replaces arginine, which is basic and polar, with histidine, which is basic and polar, at codon 275 of the DCTN1 protein (p.Arg275His). This variant is present in population databases (rs375266113, gnomAD 0.004%). This variant has not been reported in the literature in individuals affected with DCTN1-related conditions. ClinVar contains an entry for this variant (Variation ID: 393157). Invitae Evidence Modeling of protein sequence and biophysical properties (such as structural, functional, and spatial information, amino acid conservation, physicochemical variation, residue mobility, and thermodynamic stability) indicates that this missense variant is not expected to disrupt DCTN1 protein function with a negative predictive value of 95%. In summary, the available evidence is currently insufficient to determine the role of this variant in disease. Therefore, it has been classified as a Variant of Uncertain Significance.

Mayo Clinic Laboratories, Mayo Clinic
Classification: Uncertain significance. Last evaluated: 2019-08-11. Review status: criteria provided, single submitter. Criteria: ACMG Guidelines, 2015. Collection method: clinical testing. Allele origin: germline. Observed: 1 variant allele.

Illumina Laboratory Services, Illumina
Classification: Uncertain significance for Neuronopathy, distal hereditary motor, type 7B. Last evaluated: 2017-04-27. Review status: criteria provided, single submitter. Criteria: ICSL Variant Classification Criteria 13 December 2019. Collection method: clinical testing. Allele origin: germline.

Illumina Laboratory Services, Illumina
Classification: Uncertain significance for Perry syndrome. Last evaluated: 2017-04-27. Review status: criteria provided, single submitter. Criteria: ICSL Variant Classification Criteria 13 December 2019. Collection method: clinical testing. Allele origin: germline.

GeneDx
Classification: Uncertain significance. Last evaluated: 2017-01-20. Review status: criteria provided, single submitter. Criteria: GeneDx Variant Classification (06012015). Collection method: clinical testing. Allele origin: germline. Affected: yes.
Comment: he R275H variant in the DCTN1 gene has not been reported previously as a pathogenic variant, nor as a benign variant, to our knowledge. The R275H variant was not observed at any significant frequency in approximately 6,500 individuals of European and African American ancestry in the NHLBI Exome Sequencing Project, indicating it is not a common benign variant in these populations. The R275H variant is a conservative amino acid substitution, which is not likely to impact secondary protein structure as these residues share similar properties. This substitution occurs at a position that is not conserved. In silico analysis is inconsistent in its predictions as to whether or not the variant is damaging to the protein structure/function. We interpret R275H as a variant of uncertain significance.